The following is an entry in ClinVar:

ClinVar aggregate classification (germline): Benign/Likely benign. Review status: criteria provided, multiple submitters, no conflicts (2 of 4 stars). 5 submissions from 5 submitters: Benign (1); Likely benign (4). Last evaluated 2025-12-15.

Conditions:
Familial adenomatous polyposis 1 (FAP1). Also called: FAMILIAL ADENOMATOUS POLYPOSIS 1, ATTENUATED; POLYPOSIS, ADENOMATOUS INTESTINAL. Identifiers: MedGen C2713442, MONDO:0021056, OMIM 175100. Disease mechanism: loss of function.
Hereditary cancer-predisposing syndrome. Also called: Hereditary neoplastic syndrome; Hereditary Cancer Syndrome; Neoplastic Syndromes, Hereditary; Tumor predisposition. Identifiers: Orphanet 140162, MedGen C0027672, MeSH D009386, MONDO:0015356.

Allele frequency attached by ClinVar (database versions not stated): gnomAD exomes below 0.00001; ExAC 0.00001.
gnomAD v4.1: 6 of 1,614,060 alleles (0.00037%); highest among the groups gnomAD compares: South Asian, 0.0066%; no homozygotes.

Submissions (5):

Labcorp Genetics (formerly Invitae), Labcorp
Classification: Likely benign for Familial adenomatous polyposis 1. Last evaluated: 2025-12-15. Review status: criteria provided, single submitter. Criteria: Invitae Variant Classification Sherloc (09022015). Collection method: clinical testing. Allele origin: germline.

Color Diagnostics, LLC DBA Color Health
Classification: Likely benign for Hereditary cancer-predisposing syndrome. Last evaluated: 2025-06-23. Review status: criteria provided, single submitter. Criteria: ACMG Guidelines, 2015. Collection method: clinical testing. Allele origin: germline.

Myriad Genetics, Inc.
Classification: Benign for Familial adenomatous polyposis 1. Last evaluated: 2024-04-02. Review status: criteria provided, single submitter. Criteria: Myriad Autosomal Dominant, Autosomal Recessive and X-Linked Classification Criteria (2023). Collection method: clinical testing. Allele origin: unknown.
Comment: This variant is considered benign. This variant is a silent/synonymous amino acid change and it is not expected to impact splicing.

Ambry Genetics
Classification: Likely benign for Hereditary cancer-predisposing syndrome. Last evaluated: 2020-11-03. Review status: criteria provided, single submitter. Criteria: Ambry Variant Classification Scheme 2023. Collection method: clinical testing. Allele origin: germline.

GeneDx
Classification: Likely benign. Last evaluated: 2017-04-07. Review status: criteria provided, single submitter. Criteria: GeneDx Variant Classification (06012015). Collection method: clinical testing. Allele origin: germline. Affected: yes.
Comment: This variant is considered likely benign or benign based on one or more of the following criteria: it is a conservative change, it occurs at a poorly conserved position in the protein, it is predicted to be benign by multiple in silico algorithms, and/or has population frequency not consistent with disease.

NM_000038.6(APC):c.5694A>G (p.Thr1898=)

Gene: APC (APC regulator of Wnt signaling pathway; plus strand). Cytogenetic location: 5q22.2.
Variant type: single nucleotide variant.
Coding change: c.5694A>G on transcript NM_000038.6 (MANE Select); coding-DNA position 5694, A replaced by G.
Protein change: p.Thr1898=; no amino-acid change (threonine 1898 retained).
Molecular consequence: synonymous variant.
Genome position (GRCh38, 1-based): chr5:112,841,288, A>G. VCF-style: chr5-112841288-A-G. GRCh37 (hg19) VCF-style: chr5-112176985-A-G.
Other names: c.5694A>G, p.Thr1898= (NM_001127510.3, NM_001354895.2); c.5640A>G, p.Thr1880= (NM_001127511.3); c.5748A>G, p.Thr1916= (NM_001354896.2); c.5724A>G, p.Thr1908= (NM_001354897.2); c.5619A>G, p.Thr1873= (NM_001354898.2); c.5610A>G, p.Thr1870= (NM_001354899.2); c.5571A>G, p.Thr1857= (NM_001354900.2); c.5517A>G, p.Thr1839= (NM_001354901.2); and 5 more.
Identifiers: ClinVar variation 508820 (VCV000508820.14), dbSNP rs780923444, ClinGen allele CA042688.
Genomic context (GRCh38, chr5:112,841,288, plus strand): 5'-GGCTGAATTAAGAAAGGCAAAAGAAAATAAGGAATCAGAGGCTAAAGTTACCAGCCACAC[A>G]GAACTAACCTCCAACCAACAATCAGCTAATAAGACACAAGCTATTGCAAAGCAGCCAATA-3'
Protein context (NP_000029.2, residues 1888-1908): KESEAKVTSH[Thr1898=]ELTSNQQSAN